The following is an entry in ClinVar:

ClinVar aggregate classification (germline): Pathogenic (1 of 4 stars; one submission).

Submission:

Labcorp Genetics (formerly Invitae), Labcorp
Classification: Pathogenic. Last evaluated: 2020-07-01. Review status: criteria provided, single submitter. Criteria: Invitae Variant Classification Sherloc (09022015). Collection method: clinical testing. Allele origin: germline.
Comment: For these reasons, this variant has been classified as Pathogenic. Loss-of-function variants in SLC26A4 are known to be pathogenic (PMID: 16283880, 25394566, 26252218, 26445815). This variant has not been reported in the literature in individuals with SLC26A4-related conditions. This variant is not present in population databases (ExAC no frequency). This sequence change creates a premature translational stop signal (p.Ala226Leufs*11) in the SLC26A4 gene. It is expected to result in an absent or disrupted protein product.

Literature cited by the submitters: PubMed 16283880; PubMed 25394566; PubMed 26252218; PubMed 26445815.

NM_000441.2(SLC26A4):c.675del (p.Ala226fs)

Gene: SLC26A4 (solute carrier family 26 member 4; plus strand). Cytogenetic location: 7q22.3.
Variant type: Deletion.
Coding change: c.675del on transcript NM_000441.2 (MANE Select); coding-DNA position 675, one base deleted (A; older notation c.675delA).
Protein change: p.Ala226fs; shifts the reading frame from alanine 226.
Molecular consequence: frameshift variant.
Genome position (GRCh38, 1-based): chr7:107,675,019, A deleted. VCF-style (leftmost placement, unchanged base first): chr7-107675018-CA-C. GRCh37 (hg19) VCF-style: chr7-107315463-CA-C.
Other names: short protein forms A226fs.
Identifiers: ClinVar variation 1076867 (VCV001076867.7), dbSNP rs2129311949, ClinGen allele CA2499218643.